The following is an entry in ClinVar:

NM_014023.4(WDR37):c.924C>T (p.Tyr308=)

Gene: WDR37 (WD repeat domain 37; plus strand). Cytogenetic location: 10p15.3.
Variant type: single nucleotide variant.
Coding change: c.924C>T on transcript NM_014023.4 (MANE Select); coding-DNA position 924, C replaced by T.
Protein change: p.Tyr308=; no amino-acid change (tyrosine 308 retained).
Molecular consequence: synonymous variant.
Genome position (GRCh38, 1-based): chr10:1,103,799, C>T. VCF-style: chr10-1103799-C-T. GRCh37 (hg19) VCF-style: chr10-1149739-C-T.
Identifiers: ClinVar variation 2640275 (VCV002640275.24), dbSNP rs747325196, ClinGen allele CA5384176.
Genomic context (GRCh38, chr10:1,103,799, plus strand): 5'-CTGGCTGGTTGGGGGGAAGCAGGCTGTGACTGCCTCCTGGGACCGGACGGCAAACCTGTA[C>T]GACGTGGAGACGTCCGAGCTCGTTCACTCTCTGACAGGTGCCTGGGTTCTCTGAGTCCGC-3'
Protein context (NP_054742.2, residues 298-318): TASWDRTANL[Tyr308=]DVETSELVHS

ClinVar aggregate classification (germline): Likely benign (1 of 4 stars; one submission).

Allele frequency attached by ClinVar (database versions not stated): ExAC 0.00002; gnomAD 0.00002; gnomAD exomes 0.00002.
gnomAD v4.1: 28 of 1,614,098 alleles (0.0017%); highest among the groups gnomAD compares: Admixed American, 0.018%; no homozygotes.

Submission:

CeGaT Center for Human Genetics Tuebingen
Classification: Likely benign. Last evaluated: 2023-02-01. Review status: criteria provided, single submitter. Criteria: CeGaT Center For Human Genetics Tuebingen Variant Classification Criteria Version 2. Collection method: clinical testing. Allele origin: germline. Affected: yes. Observed: 1 variant allele.
Comment: WDR37: BP4, BP7